The following is an entry in ClinVar:

ClinVar aggregate classification (germline): Uncertain significance. Review status: criteria provided, multiple submitters, no conflicts (2 of 4 stars). 2 submissions from 2 submitters: Uncertain significance (2). Last evaluated 2024-11-05.

gnomAD v4.1: 46 of 1,613,774 alleles (0.0029%); highest among the groups gnomAD compares: African/African-American, 0.036%; no homozygotes.

Submissions (2):

Dasa
Classification: Uncertain significance. Last evaluated: 2024-11-05. Review status: criteria provided, single submitter. Criteria: DASA Assertion Criteria. Collection method: clinical testing. Allele origin: germline.
Comment: NM_003754.3(EIF3F):c.779A>G (p.Asn260Ser) is a missense variant that results in the substitution of asparagine with serine. This variant is rare in population databases. Computational prediction algorithms are consistent with a benign effect. The currently available literature and clinical evidence are not sufficient to establish a definitive association between this variant and the reported condition. Therefore, this variant is classified as a variant of uncertain significance.

Blueprint Genetics
Classification: Uncertain significance. Last evaluated: 2024-03-15. Review status: criteria provided, single submitter. Criteria: ACMG Guidelines, 2015. Collection method: clinical testing. Allele origin: germline.

NM_003754.3(EIF3F):c.779A>G (p.Asn260Ser)

Genes: EIF3F (eukaryotic translation initiation factor 3 subunit F; plus strand), LOC126861132 (CDK7 strongly-dependent group 2 enhancer GRCh37_chr11:8016231-8017430; plus strand). Cytogenetic location: 11p15.4.
Variant type: single nucleotide variant.
Coding change: c.779A>G on transcript NM_003754.3 (MANE Select); coding-DNA position 779, A replaced by G.
Protein change: p.Asn260Ser; replaces asparagine 260 with serine.
Molecular consequence: missense variant.
Genome position (GRCh38, 1-based): chr11:7,995,015, A>G. VCF-style: chr11-7995015-A-G. GRCh37 (hg19) VCF-style: chr11-8016562-A-G.
Other names: short protein forms N260S.
Identifiers: ClinVar variation 4882599 (VCV004882599.3).